The following is an entry in ClinVar:

NM_001375405.1(CEP120):c.612+5G>A

Gene: CEP120 (centrosomal protein 120; minus strand). Cytogenetic location: 5q23.2.
Variant type: single nucleotide variant.
Coding change: c.612+5G>A on transcript NM_001375405.1 (MANE Select); 5 bases into the intron after coding-DNA position 612, G replaced by A.
Molecular consequence: intron variant.
Genome position (GRCh38, 1-based): chr5:123,399,131, C>T on the plus strand (G>A on the coding strand, the complement: CEP120 is on the minus strand). VCF-style: chr5-123399131-C-T. GRCh37 (hg19) VCF-style: chr5-122734825-C-T.
Other names: c.534+5G>A (NM_001166226.2); c.612+5G>A (NM_153223.4, NM_001375406.1, NM_001375407.1); c.39+5G>A (NM_001375408.1, NM_001375409.1).
Identifiers: ClinVar variation 1027810 (VCV001027810.5), dbSNP rs762000520, ClinGen allele CA3387193.

ClinVar aggregate classification (germline): Uncertain significance. Review status: criteria provided, multiple submitters, no conflicts (2 of 4 stars). 3 submissions from 3 submitters: Uncertain significance (3). Last evaluated 2025-11-17.

Conditions:
Joubert syndrome 31. Identifiers: MedGen C4540355, MONDO:0033310, OMIM 617761.
Short-rib thoracic dysplasia 13 with or without polydactyly (SRTD13). Identifiers: Orphanet 474, MedGen C4225378, MONDO:0014577, OMIM 616300.

Allele frequency attached by ClinVar (database versions not stated): ExAC 0.00002; gnomAD exomes 0.00004; gnomAD 0.00006 and 0.00008; TOPMed 0.00008.

Submissions (3):

Labcorp Genetics (formerly Invitae), Labcorp
Classification: Uncertain significance for Short-rib thoracic dysplasia 13 with or without polydactyly. Last evaluated: 2025-11-17. Review status: criteria provided, single submitter. Criteria: Invitae Variant Classification Sherloc (09022015). Collection method: clinical testing. Allele origin: germline.
Comment: This sequence change falls in intron 6 of the CEP120 gene. It does not directly change the encoded amino acid sequence of the CEP120 protein. It affects a nucleotide within the consensus splice site. This variant is present in population databases (rs762000520, gnomAD 0.03%). This variant has not been reported in the literature in individuals affected with CEP120-related conditions. ClinVar contains an entry for this variant (Variation ID: 1027810). Variants that disrupt the consensus splice site are a relatively common cause of aberrant splicing (PMID: 17576681, 9536098). Algorithms developed to predict the effect of sequence changes on RNA splicing suggest that this variant may disrupt the consensus splice site. In summary, the available evidence is currently insufficient to determine the role of this variant in disease. Therefore, it has been classified as a Variant of Uncertain Significance.

Blueprint Genetics
Classification: Uncertain significance. Last evaluated: 2024-10-02. Review status: criteria provided, single submitter. Criteria: ACMG Guidelines, 2015. Collection method: clinical testing. Allele origin: germline.

Baylor Genetics
Classification: Uncertain significance for Joubert syndrome 31. Last evaluated: 2019-03-26. Review status: criteria provided, single submitter. Criteria: ACMG Guidelines, 2015. Collection method: clinical testing. Allele origin: unknown. Affected: yes.
Comment: This variant was determined to be of uncertain significance according to ACMG Guidelines, 2015 [PMID:25741868].

Literature cited by the submitters: PubMed 17576681 (cited by Labcorp Genetics (formerly Invitae), Labcorp); PubMed 9536098 (cited by Labcorp Genetics (formerly Invitae), Labcorp).